The following is an entry in ClinVar:

NM_006073.4(TRDN):c.2182G>A (p.Gly728Arg)

Gene: TRDN (triadin; minus strand). Cytogenetic location: 6q22.31.
Variant type: single nucleotide variant.
Coding change: c.2182G>A on transcript NM_006073.4 (MANE Select); coding-DNA position 2182, G replaced by A.
Protein change: p.Gly728Arg; replaces glycine 728 with arginine.
Molecular consequence: missense variant.
Genome position (GRCh38, 1-based): chr6:123,218,609, C>T on the plus strand (G>A on the coding strand, the complement: TRDN is on the minus strand). VCF-style: chr6-123218609-C-T. GRCh37 (hg19) VCF-style: chr6-123539754-C-T.
Other names: c.2182G>A (NM_006073.2); short protein forms G728R.
Identifiers: ClinVar variation 1520602 (VCV001520602.9), dbSNP rs777497275, ClinGen allele CA3983579.
Genomic context (GRCh38, chr6:123,218,609, plus strand): 5'-AACATCACATTTTTAAAATCTTAAAGCACTTGTAAGGGTCATACATGTGTGTTTACTGTC[C>T]TTGTTGCTTCTGTCCTGGAGAATTTGCTTGACCAGAGCTCTCTCCAGGGCGGTCTGCAGG-3'
Protein context (NP_006064.2, residues 718-729): QANSPGQKQQ[Gly728Arg]Q

ClinVar aggregate classification (germline): Uncertain significance. Review status: criteria provided, multiple submitters, no conflicts (2 of 4 stars). 2 submissions from 2 submitters: Uncertain significance (2). Last evaluated 2025-07-15.

Conditions:
Cardiovascular phenotype. Identifiers: MedGen CN230736.
Catecholaminergic polymorphic ventricular tachycardia 1. Also called: VENTRICULAR TACHYCARDIA, STRESS-INDUCED POLYMORPHIC 1; VENTRICULAR TACHYCARDIA, CATECHOLAMINERGIC POLYMORPHIC, 1, WITH OR WITHOUT ATRIAL DYSFUNCTION AND/OR DILATED CARDIOMYOPATHY; RYR2-Related Catecholaminergic Polymorphic Ventricular Tachycardia. Identifiers: Orphanet 3286, MedGen C1631597, MONDO:0011484, OMIM 604772.

Allele frequency attached by ClinVar (database versions not stated): gnomAD exomes 0.00001 and 0.00002; ExAC 0.00002; TOPMed 0.00002.
gnomAD v4.1: 8 of 1,611,398 alleles (0.0005%); highest among the groups gnomAD compares: Non-Finnish European, 0.00068%; no homozygotes.

Submissions (2):

Ambry Genetics
Classification: Uncertain significance for Cardiovascular phenotype. Last evaluated: 2025-07-15. Review status: criteria provided, single submitter. Criteria: Ambry Variant Classification Scheme 2023. Collection method: clinical testing. Allele origin: germline.

Labcorp Genetics (formerly Invitae), Labcorp
Classification: Uncertain significance for Catecholaminergic polymorphic ventricular tachycardia 1. Last evaluated: 2021-08-28. Review status: criteria provided, single submitter. Criteria: Invitae Variant Classification Sherloc (09022015). Collection method: clinical testing. Allele origin: germline.
Comment: This sequence change replaces glycine with arginine at codon 728 of the TRDN protein (p.Gly728Arg). The glycine residue is moderately conserved and there is a moderate physicochemical difference between glycine and arginine. This variant is present in population databases (rs777497275, ExAC 0.01%). This variant has not been reported in the literature in individuals affected with TRDN-related conditions. Algorithms developed to predict the effect of missense changes on protein structure and function output the following: SIFT: "Deleterious"; PolyPhen-2: "Benign"; Align-GVGD: "Class C0". The arginine amino acid residue is found in multiple mammalian species, which suggests that this missense change does not adversely affect protein function. In summary, the available evidence is currently insufficient to determine the role of this variant in disease. Therefore, it has been classified as a Variant of Uncertain Significance.